The following is an entry in ClinVar:

ClinVar aggregate classification (germline): Likely benign (1 of 4 stars; one submission).

Conditions:
TSPEAR-related disorder. Also called: TSPEAR-related condition.

gnomAD v4.1: 153 of 1,610,890 alleles (0.0095%); highest among the groups gnomAD compares: South Asian, 0.14%; 1 homozygote.

Submission:

PreventionGenetics, part of Exact Sciences
Classification: Likely benign for TSPEAR-related condition. Last evaluated: 2024-12-07. Review status: criteria provided, single submitter. Criteria: ACMG Guidelines, 2015. Collection method: clinical testing. Allele origin: germline.
Comment: This variant is classified as likely benign based on ACMG/AMP sequence variant interpretation guidelines (Richards et al. 2015 PMID: 25741868, with internal and published modifications).

NM_144991.3(TSPEAR):c.54C>T (p.His18=)

Gene: TSPEAR (thrombospondin type laminin G domain and EAR repeats; minus strand). Cytogenetic location: 21q22.3.
Variant type: single nucleotide variant.
Coding change: c.54C>T on transcript NM_144991.3 (MANE Select); coding-DNA position 54, C replaced by T.
Protein change: p.His18=; no amino-acid change (histidine 18 retained).
Molecular consequence: synonymous variant. On other transcripts: 5 prime UTR variant (1).
Genome position (GRCh38, 1-based): chr21:44,711,461, G>A on the plus strand (C>T on the coding strand, the complement: TSPEAR is on the minus strand). VCF-style: chr21-44711461-G-A. GRCh37 (hg19) VCF-style: chr21-46131376-G-A.
Other names: c.-213C>T (NM_001272037.2).
Identifiers: ClinVar variation 4978485 (VCV004978485.1).